The following is an entry in ClinVar:

ClinVar aggregate classification (germline): Uncertain significance (1 of 4 stars; one submission).

Conditions:
Aortic valve disease 2 (AOVD2). Identifiers: MedGen C3542024, MONDO:0013902, OMIM 614823.

Allele frequency attached by ClinVar (database versions not stated): gnomAD exomes below 0.00001 and 0.00002; ExAC 0.00002.
gnomAD v4.1: 8 of 1,614,066 alleles (0.0005%); highest among the groups gnomAD compares: East Asian, 0.0022%; no homozygotes.

Submission:

Labcorp Genetics (formerly Invitae), Labcorp
Classification: Uncertain significance for Aortic valve disease 2. Last evaluated: 2021-07-04. Review status: criteria provided, single submitter. Criteria: Invitae Variant Classification Sherloc (09022015). Collection method: clinical testing. Allele origin: germline.
Comment: In summary, the available evidence is currently insufficient to determine the role of this variant in disease. Therefore, it has been classified as a Variant of Uncertain Significance. Advanced modeling of protein sequence and biophysical properties (such as structural, functional, and spatial information, amino acid conservation, physicochemical variation, residue mobility, and thermodynamic stability) performed at Invitae indicates that this missense variant is not expected to disrupt TBX5 protein function. This variant has not been reported in the literature in individuals affected with TBX5-related conditions. This variant is present in population databases (rs759009256, ExAC 0.004%). This sequence change replaces histidine with arginine at codon 322 of the TBX5 protein (p.His322Arg). The histidine residue is highly conserved and there is a small physicochemical difference between histidine and arginine.

NM_181486.4(TBX5):c.965A>G (p.His322Arg)

Gene: TBX5 (T-box transcription factor 5; minus strand). Cytogenetic location: 12q24.21.
Variant type: single nucleotide variant.
Coding change: c.965A>G on transcript NM_181486.4 (MANE Select); coding-DNA position 965, A replaced by G.
Protein change: p.His322Arg; replaces histidine 322 with arginine.
Molecular consequence: missense variant.
Genome position (GRCh38, 1-based): chr12:114,366,182, T>C on the plus strand (A>G on the coding strand, the complement: TBX5 is on the minus strand). VCF-style: chr12-114366182-T-C. GRCh37 (hg19) VCF-style: chr12-114803987-T-C.
Other names: c.965A>G, p.His322Arg (NM_000192.3); c.815A>G, p.His272Arg (NM_080717.4); short protein forms H322R, H272R.
Identifiers: ClinVar variation 1450591 (VCV001450591.8), dbSNP rs759009256, ClinGen allele CA6809465.